The following is an entry in ClinVar:

NM_152468.5(TMC8):c.736G>C (p.Val246Leu)

Gene: TMC8 (transmembrane channel like 8; plus strand). Cytogenetic location: 17q25.3.
Variant type: single nucleotide variant.
Coding change: c.736G>C on transcript NM_152468.5 (MANE Select); coding-DNA position 736, G replaced by C.
Protein change: p.Val246Leu; replaces valine 246 with leucine.
Molecular consequence: missense variant.
Genome position (GRCh38, 1-based): chr17:78,133,920, G>C. VCF-style: chr17-78133920-G-C. GRCh37 (hg19) VCF-style: chr17-76130001-G-C.
Other names: short protein forms V246L.
Identifiers: ClinVar variation 1051502 (VCV001051502.10), dbSNP rs373643486, ClinGen allele CA294364670.

ClinVar aggregate classification (germline): Uncertain significance (1 of 4 stars; one submission).

Conditions:
Epidermodysplasia verruciformis. Identifiers: Orphanet 302, MedGen C0014522, MONDO:0009176.

Allele frequency attached by ClinVar (database versions not stated): ESP Exome Variant Server 0.00008.
gnomAD v4.1: 1 of 1,613,520 alleles (0.000062%); highest among the groups gnomAD compares: Non-Finnish European, 0.000085%; no homozygotes.

Submission:

Labcorp Genetics (formerly Invitae), Labcorp
Classification: Uncertain significance for Epidermodysplasia verruciformis. Last evaluated: 2020-01-31. Review status: criteria provided, single submitter. Criteria: Invitae Variant Classification Sherloc (09022015). Collection method: clinical testing. Allele origin: germline.
Comment: In summary, the available evidence is currently insufficient to determine the role of this variant in disease. Therefore, it has been classified as a Variant of Uncertain Significance. Algorithms developed to predict the effect of missense changes on protein structure and function output the following: SIFT: "Tolerated"; PolyPhen-2: "Benign"; Align-GVGD: "Class C0". The leucine amino acid residue is found in multiple mammalian species, suggesting that this missense change does not adversely affect protein function. These predictions have not been confirmed by published functional studies and their clinical significance is uncertain. This variant has not been reported in the literature in individuals with TMC8-related conditions. This variant is not present in population databases (ExAC no frequency). This sequence change replaces valine with leucine at codon 246 of the TMC8 protein (p.Val246Leu). The valine residue is moderately conserved and there is a small physicochemical difference between valine and leucine.